The following is an entry in ClinVar:

ClinVar aggregate classification (germline): Likely pathogenic (0 of 4 stars; one submission).

Conditions:
PCSK1-related disorder. Also called: PCSK1-related condition.

Submission:

PreventionGenetics, part of Exact Sciences
Classification: Likely pathogenic for PCSK1-related condition. Last evaluated: 2024-05-08. Review status: no assertion criteria provided. Collection method: clinical testing. Allele origin: germline.
Comment: The PCSK1 c.1355dupT variant is predicted to result in a frameshift and premature protein termination (p.Leu452Phefs*3). To our knowledge, this variant has not been reported in the literature or in a large population database, indicating this variant is rare. Frameshift variants in PCSK1 are expected to be pathogenic. This variant is interpreted as likely pathogenic.

NM_000439.5(PCSK1):c.1355dup (p.Leu452fs)

Genes: PCSK1 (proprotein convertase subtilisin/kexin type 1; minus strand), CAST (calpastatin; plus strand), LOC101929710 (uncharacterized LOC101929710; plus strand). Cytogenetic location: 5q15.
Variant type: Duplication.
Coding change: c.1355dup on transcript NM_000439.5 (MANE Select); coding-DNA position 1355, one base duplicated (T; older notation c.1355dupT).
Protein change: p.Leu452fs; shifts the reading frame from leucine 452.
Molecular consequence: frameshift variant. On other transcripts: intron variant (11).
Genome position (GRCh38, 1-based): chr5:96,400,028, A duplicated on the plus strand (T on the coding strand, the reverse complement: PCSK1 is on the minus strand); the first of 3 consecutive A bases (chr5:96,400,028-96,400,030); duplicating any one gives the same sequence. VCF-style (leftmost placement, unchanged base first): chr5-96400027-T-TA. GRCh37 (hg19) VCF-style: chr5-95735731-T-TA.
Other names: c.-175+20378dup (NM_001423252.1, NM_001423257.1, NM_001423260.1 and 6 more transcripts); c.1214dup, p.Leu405fs (NM_001177875.2); c.-103+20378dup (NM_001423253.1); c.-40+20378dup (NM_001423258.1); short protein forms L405fs, L452fs.
Identifiers: ClinVar variation 3344148 (VCV003344148.1).